The following is an entry in ClinVar:

NM_005896.4(IDH1):c.950G>A (p.Arg317His)

Gene: IDH1 (isocitrate dehydrogenase (NADP(+)) 1; minus strand). Cytogenetic location: 2q34.
Variant type: single nucleotide variant.
Coding change: c.950G>A on transcript NM_005896.4 (MANE Select); coding-DNA position 950, G replaced by A.
Protein change: p.Arg317His; replaces arginine 317 with histidine.
Molecular consequence: missense variant.
Genome position (GRCh38, 1-based): chr2:208,239,904, C>T on the plus strand (G>A on the coding strand, the complement: IDH1 is on the minus strand). VCF-style: chr2-208239904-C-T. GRCh37 (hg19) VCF-style: chr2-209104628-C-T.
Other names: c.950G>A, p.Arg317His (NM_001282386.1, NM_001282387.1); short protein forms R317H.
Identifiers: ClinVar variation 1767220 (VCV001767220.3), dbSNP rs1294399146, ClinGen allele CA350095121.

ClinVar aggregate classification (germline): Uncertain significance. Review status: criteria provided, multiple submitters, no conflicts (2 of 4 stars). 2 submissions from 2 submitters: Uncertain significance (2). Last evaluated 2024-02-16.

Conditions:
Glioma susceptibility 1 (GLM1). Also called: Glioblastoma, somatic. Identifiers: MedGen C2750850, MONDO:0024498, OMIM 137800.

Allele frequency attached by ClinVar (database versions not stated): gnomAD 0.00001; TOPMed 0.00001.

Submissions (2):

Molecular Pathology, Peter Maccallum Cancer Centre
Classification: Uncertain significance for Glioma susceptibility 1. Last evaluated: 2024-02-16. Review status: criteria provided, single submitter. Criteria: ACMG Guidelines, 2015. Collection method: clinical testing. Allele origin: germline.

Ambry Genetics
Classification: Uncertain significance. Last evaluated: 2023-09-28. Review status: criteria provided, single submitter. Criteria: Ambry Variant Classification Scheme 2023. Collection method: clinical testing. Allele origin: germline.
Comment: The p.R317H variant (also known as c.950G>A), located in coding exon 6 of the IDH1 gene, results from a G to A substitution at nucleotide position 950. The arginine at codon 317 is replaced by histidine, an amino acid with highly similar properties. This amino acid position is conserved. In addition, the in silico prediction for this alteration is inconclusive. Since supporting evidence is limited at this time, the clinical significance of this alteration remains unclear.